The following is an entry in ClinVar:

NM_024408.4(NOTCH2):c.1550A>G (p.Gln517Arg)

Gene: NOTCH2 (notch receptor 2; minus strand). Cytogenetic location: 1p12.
Variant type: single nucleotide variant.
Coding change: c.1550A>G on transcript NM_024408.4 (MANE Select); coding-DNA position 1550, A replaced by G.
Protein change: p.Gln517Arg; replaces glutamine 517 with arginine.
Molecular consequence: missense variant.
Genome position (GRCh38, 1-based): chr1:119,966,393, T>C on the plus strand (A>G on the coding strand, the complement: NOTCH2 is on the minus strand). VCF-style: chr1-119966393-T-C. GRCh37 (hg19) VCF-style: chr1-120509016-T-C.
Other names: c.1550A>G, p.Gln517Arg (NM_001200001.2); short protein forms Q517R.
Identifiers: ClinVar variation 2421762 (VCV002421762.6), dbSNP rs1651138436, ClinGen allele CA341876179.

ClinVar aggregate classification (germline): Uncertain significance (1 of 4 stars; one submission).

Conditions:
Hajdu-Cheney syndrome (HJCYS). Also called: Acroosteolysis dominant type; ACROOSTEOLYSIS WITH OSTEOPOROSIS AND CHANGES IN SKULL AND MANDIBLE; SERPENTINE FIBULA-POLYCYSTIC KIDNEY SYNDROME. Identifiers: Orphanet 955, MedGen C0917715, MONDO:0007057, OMIM 102500.

Allele frequency attached by ClinVar (database versions not stated): TOPMed below 0.00001.

Submission:

Labcorp Genetics (formerly Invitae), Labcorp
Classification: Uncertain significance for Hajdu-Cheney syndrome. Last evaluated: 2022-04-16. Review status: criteria provided, single submitter. Criteria: Invitae Variant Classification Sherloc (09022015). Collection method: clinical testing. Allele origin: germline.
Comment: In summary, the available evidence is currently insufficient to determine the role of this variant in disease. Therefore, it has been classified as a Variant of Uncertain Significance. Advanced modeling of protein sequence and biophysical properties (such as structural, functional, and spatial information, amino acid conservation, physicochemical variation, residue mobility, and thermodynamic stability) performed at Invitae indicates that this missense variant is not expected to disrupt NOTCH2 protein function. This variant has not been reported in the literature in individuals affected with NOTCH2-related conditions. This variant is not present in population databases (gnomAD no frequency). This sequence change replaces glutamine, which is neutral and polar, with arginine, which is basic and polar, at codon 517 of the NOTCH2 protein (p.Gln517Arg).